The following is an entry in ClinVar:

ClinVar aggregate classification (germline): Pathogenic (1 of 4 stars; one submission).

Conditions:
Early-onset parkinsonism-intellectual disability syndrome (WSMN). Also called: BASAL GANGLION DISORDER WITH MENTAL RETARDATION; X-linked recessive basal ganglia disorder with mental retardation; Laxova Brown Hogan syndrome; Basal ganglia disorder with mental retardation. Identifiers: Orphanet 2379, MedGen C0796195, MONDO:0010709, OMIM 311510.

Submission:

Randwick Genomics Laboratory, Prince of Wales Hospital Sydney, Australia, New South Wales Health Pathology
Classification: Pathogenic for Early-onset parkinsonism-intellectual disability syndrome. Review status: criteria provided, single submitter. Criteria: ACMG Guidelines, 2015. Collection method: clinical testing. Allele origin: germline. Affected: yes.
Comment: Sibling pair, XLR

NC_000023.11:g.155264167_155265545del

Genes: RAB39B (RAB39B, member RAS oncogene family; minus strand), LOC130068897 (ATAC-STARR-seq lymphoblastoid silent region 21125; plus strand), LOC130068896 (ATAC-STARR-seq lymphoblastoid silent region 21124; plus strand). Cytogenetic location: Xq28.
Variant type: Deletion.
Genome position: GRCh38: chrX:155,264,167-155,265,545.
Identifiers: ClinVar variation 1210217 (VCV001210217.3), ClinGen allele CA2499226519.